The following is an entry in ClinVar:

NM_016030.6(TRAPPC12):c.1797T>C (p.Ala599=)

Gene: TRAPPC12 (trafficking protein particle complex subunit 12; plus strand). Cytogenetic location: 2p25.3.
Variant type: single nucleotide variant.
Coding change: c.1797T>C on transcript NM_016030.6 (MANE Select); coding-DNA position 1797, T replaced by C.
Protein change: p.Ala599=; no amino-acid change (alanine 599 retained).
Molecular consequence: synonymous variant.
Genome position (GRCh38, 1-based): chr2:3,477,715, T>C. VCF-style: chr2-3477715-T-C. GRCh37 (hg19) VCF-style: chr2-3481486-T-C.
Other names: c.1797T>C, p.Ala599= (NM_001321102.2).
Identifiers: ClinVar variation 3031112 (VCV003031112.2), dbSNP rs373854524, ClinGen allele CA1515668.
Genomic context (GRCh38, chr2:3,477,715, plus strand): 5'-TTCTTTTGTCAACTAAACTGACTAAATTTTGTCAAAGCAGATTGGAGACATAAAAACAGC[T>C]GAAAAGTATTTTCAAGACGTTGAGAAAGTAACACAGAAATTAGATGGACTACAGGGTAAA-3'
Protein context (NP_057114.5, residues 589-609): ISLQIGDIKT[Ala599=]EKYFQDVEKV

ClinVar aggregate classification (germline): Likely benign (0 of 4 stars; one submission).

Conditions:
TRAPPC12-related disorder. Also called: TRAPPC12-related condition.

Allele frequency attached by ClinVar (database versions not stated): gnomAD exomes below 0.00001; ExAC 0.00002; gnomAD 0.00005; TOPMed 0.00007; ESP Exome Variant Server 0.00008.
gnomAD v4.1: 9 of 1,606,944 alleles (0.00056%); highest among the groups gnomAD compares: African/African-American, 0.012%; no homozygotes.

Submission:

PreventionGenetics, part of Exact Sciences
Classification: Likely benign for TRAPPC12-related condition. Last evaluated: 2021-06-25. Review status: no assertion criteria provided. Collection method: clinical testing. Allele origin: germline.
Comment: This variant is classified as likely benign based on ACMG/AMP sequence variant interpretation guidelines (Richards et al. 2015 PMID: 25741868, with internal and published modifications).